The following is an entry in ClinVar:

NM_000142.5(FGFR3):c.1879G>A (p.Glu627Lys)

Gene: FGFR3 (fibroblast growth factor receptor 3; plus strand). Cytogenetic location: 4p16.3.
Variant type: single nucleotide variant.
Coding change: c.1879G>A on transcript NM_000142.5 (MANE Select); coding-DNA position 1879, G replaced by A.
Protein change: p.Glu627Lys; replaces glutamic acid 627 with lysine.
Molecular consequence: missense variant. On other transcripts: non-coding transcript variant (1).
Genome position (GRCh38, 1-based): chr4:1,806,093, G>A. VCF-style: chr4-1806093-G-A. GRCh37 (hg19) VCF-style: chr4-1807820-G-A.
Other names: c.1885G>A, p.Glu629Lys (NM_001163213.2); c.1882G>A, p.Glu628Lys (NM_001354809.2, NM_001354810.2); c.1543G>A, p.Glu515Lys (NM_022965.4); c.1885G>A (NM_001163213.1); short protein forms E629K, E627K, E515K, E628K.
Identifiers: ClinVar variation 221944 (VCV000221944.55), dbSNP rs200849753, ClinGen allele CA072649.
Genomic context (GRCh38, chr4:1,806,093, plus strand): 5'-CTCCCACCCCTTCCCCAGTGCATCCACAGGGACCTGGCTGCCCGCAATGTGCTGGTGACC[G>A]AGGACAACGTGATGAAGATCGCAGACTTCGGGCTGGCCCGGGACGTGCACAACCTCGACT-3'
Protein context (NP_000133.1, residues 617-637): DLAARNVLVT[Glu627Lys]DNVMKIADFG

ClinVar aggregate classification (germline): Conflicting classifications of pathogenicity. Review status: criteria provided, conflicting classifications (1 of 4 stars). 9 submissions from 9 submitters: Uncertain significance (8); Likely benign (1). Last evaluated 2026-09-09.

Conditions:
FGFR3-related disorder. Also called: FGFR3-related disorders.
FGFR3-related chondrodysplasia. Identifiers: Orphanet 93420, MedGen C5681604, MONDO:0019685.
Inborn genetic diseases. Identifiers: MedGen C0950123, MeSH D030342.
Anophthalmia-microphthalmia syndrome. Also called: Anophthalmia/Microphthalmia; Anophthalmia - microphthalmia. Identifiers: Orphanet 98555, MedGen C5680330, MONDO:0020147.
Achondroplasia (ACH). Also called: Achondroplastic dwarfism. Identifiers: Orphanet 15, MedGen C0001080, MONDO:0007037, OMIM 100800. Disease mechanism: gain of function.

Allele frequency attached by ClinVar (database versions not stated): gnomAD 0.00005 and 0.00007; TOPMed 0.00007; gnomAD exomes 0.00012 and 0.00018; ExAC 0.00024.
gnomAD v4.1: 200 of 1,613,550 alleles (0.012%); highest among the groups gnomAD compares: Admixed American, 0.025%; no homozygotes.

Submissions (9):

PreventionGenetics, part of Exact Sciences
Classification: Uncertain significance for FGFR3-related condition. Last evaluated: 2026-09-09. Review status: criteria provided, single submitter. Criteria: ACMG Guidelines, 2015. Collection method: clinical testing. Allele origin: germline.
Comment: The FGFR3 c.1879G>A variant is predicted to result in the amino acid substitution p.Glu627Lys. This variant was reported in an individual with ocular developmental anomalies, however this individual had also plausible variants in other genes (Table S4, Chassaing et al. 2016. PubMed ID: 26893459). This variant was also reported in invidivual with perineal hypospadias, who had also plausible variants in other genes (as E629K, Table S2, Zidoune et al. 2022. PubMed ID: 36110220). This variant is reported in 0.031% of alleles in individuals of Latino descent in gnomAD. At this time, the clinical significance of this variant is uncertain due to the absence of conclusive functional and genetic evidence.

Genomenon, Inc
Classification: Uncertain significance for FGFR3-related chondrodysplasia. Last evaluated: 2026-06-23. Review status: criteria provided, single submitter. Criteria: Genomenon Sequence Variant Interpretation Standards - Updated. Collection method: curation. Allele origin: germline. Affected: no.
Comment: FGFR3 p.Glu627Lys (c.1879G>A) is a missense variant that changes the amino acid at codon 627 from Glutamic acid to Lysine. This variant has been reported in the published literature (PMID:38411226;36110220;26893459). It is absent or not present at a significant frequency in gnomAD. In silico models predict that this variant is possibly or probably damaging. In conclusion, we classify FGFR3 p.Glu627Lys (c.1879G>A) as a variant of uncertain significance.

Women's Health and Genetics/Laboratory Corporation of America, LabCorp
Classification: Uncertain significance. Last evaluated: 2026-03-18. Review status: criteria provided, single submitter. Criteria: LabCorp Variant Classification Summary - May 2015. Collection method: clinical testing. Allele origin: germline.
Comment: Variant summary: FGFR3 c.1879G>A (p.Glu627Lys) results in a conservative amino acid change located in the Protein kinase domain (IPR000719) of the encoded protein sequence. Algorithms developed to predict the effect of missense changes on protein structure and function are either unavailable or do not agree on the potential impact of this missense change. The variant allele was found at a frequency of 0.00018 in 250138 control chromosomes. This frequency is not significantly higher than estimated for disease-causing variants in FGFR3, allowing no conclusion about variant significance. c.1879G>A has been observed in in at-least three individuals affected with disorders/differences of sex development and ocular developmental anomalies, without strong evidence for causality (Zidoune_2022, Chassaing_2016). These reports do not provide unequivocal conclusions about association of the variant with Achondroplasia. To our knowledge, no experimental evidence demonstrating an impact on protein function has been reported. The following publications have been ascertained in the context of this evaluation (PMID: 26893459, 36110220). ClinVar contains an entry for this variant (Variation ID: 221944). Based on the evidence outlined above, the variant was classified as uncertain significance.

Genomic Medicine Center of Excellence, King Faisal Specialist Hospital and Research Centre
Classification: Uncertain significance for Achondroplasia. Last evaluated: 2025-09-10. Review status: criteria provided, single submitter. Criteria: ACMG Guidelines, 2015. Collection method: clinical testing. Allele origin: germline.

Labcorp Genetics (formerly Invitae), Labcorp
Classification: Uncertain significance. Last evaluated: 2024-11-03. Review status: criteria provided, single submitter. Criteria: Invitae Variant Classification Sherloc (09022015). Collection method: clinical testing. Allele origin: germline.
Comment: This sequence change replaces glutamic acid, which is acidic and polar, with lysine, which is basic and polar, at codon 627 of the FGFR3 protein (p.Glu627Lys). This variant is present in population databases (rs200849753, gnomAD 0.03%), and has an allele count higher than expected for a pathogenic variant. This variant has not been reported in the literature in individuals affected with FGFR3-related conditions. ClinVar contains an entry for this variant (Variation ID: 221944). Invitae Evidence Modeling of protein sequence and biophysical properties (such as structural, functional, and spatial information, amino acid conservation, physicochemical variation, residue mobility, and thermodynamic stability) has been performed for this missense variant. However, the output from this modeling did not meet the statistical confidence thresholds required to predict the impact of this variant on FGFR3 protein function. In summary, the available evidence is currently insufficient to determine the role of this variant in disease. Therefore, it has been classified as a Variant of Uncertain Significance.

Ambry Genetics
Classification: Uncertain significance for Inborn genetic diseases. Last evaluated: 2022-06-10. Review status: criteria provided, single submitter. Criteria: Ambry Variant Classification Scheme 2023. Collection method: clinical testing. Allele origin: germline.
Comment: Unlikely to be causative of FGFR3-skeletal disorders syndrome (AD) Based on insufficient or conflicting evidence, the clinical significance of this alteration remains unclear.

Athena Diagnostics
Classification: Uncertain significance. Last evaluated: 2018-06-13. Review status: criteria provided, single submitter. Criteria: Athena Diagnostics Criteria. Collection method: clinical testing. Allele origin: germline.

CeGaT Center for Human Genetics Tuebingen
Classification: Uncertain significance. Last evaluated: 2017-04-01. Review status: criteria provided, single submitter. Criteria: CeGaT Center For Human Genetics Tuebingen Variant Classification Criteria Version 2. Collection method: clinical testing. Allele origin: germline. Affected: yes. Observed: 1 variant allele.

Paul Sabatier University EA-4555, Paul Sabatier University
Classification: Likely benign. Last evaluated: 2013-01-01. Review status: criteria provided, single submitter. Criteria: Chassaing et al. (Genome Res. 2016). Collection method: clinical testing. Allele origin: inherited. Affected: yes. Observed: 1 heterozygote.

Literature cited by the submitters: PubMed 38411226 (cited by Genomenon, Inc); PubMed 34586462 (cited by Genomenon, Inc); PubMed 26893459 (cited by Women's Health and Genetics/Laboratory Corporation of America, LabCorp); PubMed 36110220 (cited by Women's Health and Genetics/Laboratory Corporation of America, LabCorp).